The following is an entry in ClinVar:

ClinVar aggregate classification (germline): Uncertain significance. Review status: criteria provided, multiple submitters, no conflicts (2 of 4 stars). 2 submissions from 2 submitters: Uncertain significance (2). Last evaluated 2025-12-15.

gnomAD v4.1: 24 of 1,614,102 alleles (0.0015%); highest among the groups gnomAD compares: Non-Finnish European, 0.002%; no homozygotes.

Submissions (2):

Labcorp Genetics (formerly Invitae), Labcorp
Classification: Uncertain significance. Last evaluated: 2025-12-15. Review status: criteria provided, single submitter. Criteria: Invitae Variant Classification Sherloc (09022015). Collection method: clinical testing. Allele origin: germline.
Comment: This sequence change replaces alanine, which is neutral and non-polar, with threonine, which is neutral and polar, at codon 345 of the SRP72 protein (p.Ala345Thr). This variant is present in population databases (rs375099407, gnomAD 0.0009%). This variant has not been reported in the literature in individuals affected with SRP72-related conditions. ClinVar contains an entry for this variant (Variation ID: 3801412). Invitae Evidence Modeling of protein sequence and biophysical properties (such as structural, functional, and spatial information, amino acid conservation, physicochemical variation, residue mobility, and thermodynamic stability) indicates that this missense variant is not expected to disrupt SRP72 protein function with a negative predictive value of 80%. In summary, the available evidence is currently insufficient to determine the role of this variant in disease. Therefore, it has been classified as a Variant of Uncertain Significance.

Ambry Genetics
Classification: Uncertain significance. Last evaluated: 2024-12-20. Review status: criteria provided, single submitter. Criteria: Ambry Variant Classification Scheme 2023. Collection method: clinical testing. Allele origin: germline.
Comment: The p.A345T variant (also known as c.1033G>A), located in coding exon 10 of the SRP72 gene, results from a G to A substitution at nucleotide position 1033. The alanine at codon 345 is replaced by threonine, an amino acid with similar properties. This amino acid position is conserved. In addition, the in silico prediction for this alteration is inconclusive. Based on the available evidence, the clinical significance of this variant remains unclear.

NM_006947.4(SRP72):c.1033G>A (p.Ala345Thr)

Gene: SRP72 (signal recognition particle 72; plus strand). Cytogenetic location: 4q12.
Variant type: single nucleotide variant.
Coding change: c.1033G>A on transcript NM_006947.4 (MANE Select); coding-DNA position 1033, G replaced by A.
Protein change: p.Ala345Thr; replaces alanine 345 with threonine.
Molecular consequence: missense variant. On other transcripts: non-coding transcript variant (1).
Genome position (GRCh38, 1-based): chr4:56,484,811, G>A. VCF-style: chr4-56484811-G-A. GRCh37 (hg19) VCF-style: chr4-57350977-G-A.
Other names: c.850G>A, p.Ala284Thr (NM_001267722.2); short protein forms A284T, A345T.
Identifiers: ClinVar variation 3801412 (VCV003801412.2).